The following is an entry in ClinVar:

ClinVar aggregate classification (germline): Likely benign. Review status: criteria provided, multiple submitters, no conflicts (2 of 4 stars). 3 submissions from 3 submitters: Likely benign (2). 1 of the submissions does not count toward it. Last evaluated 2024-10-22.

Conditions:
SETD1B-related disorder. Also called: SETD1B-related condition.

Allele frequency attached by ClinVar (database versions not stated): ESP Exome Variant Server 0.00022; gnomAD 0.00041; 1000 Genomes Project 30x 0.00219; 1000 Genomes Project 0.00240.
gnomAD v4.1: 385 of 1,549,234 alleles (0.025%); highest among the groups gnomAD compares: East Asian, 0.28%; no homozygotes.

Submissions (3):

Blueprint Genetics
Classification: Likely benign. Last evaluated: 2024-10-22. Review status: criteria provided, single submitter. Criteria: ACMG Guidelines, 2015. Collection method: clinical testing. Allele origin: germline.

CeGaT Center for Human Genetics Tuebingen
Classification: Likely benign. Last evaluated: 2023-01-01. Review status: criteria provided, single submitter. Criteria: CeGaT Center For Human Genetics Tuebingen Variant Classification Criteria Version 2. Collection method: clinical testing. Allele origin: germline. Affected: yes. Observed: 2 variant alleles.
Comment: SETD1B: BP4, BP7

PreventionGenetics, part of Exact Sciences
Classification: Likely benign for SETD1B-related condition. Last evaluated: 2019-11-16. Review status: no assertion criteria provided. Collection method: clinical testing. Allele origin: germline. Not counted in ClinVar's aggregate classification.
Comment: This variant is classified as likely benign based on ACMG/AMP sequence variant interpretation guidelines (Richards et al. 2015 PMID: 25741868, with internal and published modifications).

NM_001353345.2(SETD1B):c.1488C>T (p.His496=)

Gene: SETD1B (SET domain containing 1B, histone lysine methyltransferase; plus strand). Cytogenetic location: 12q24.31.
Variant type: single nucleotide variant.
Coding change: c.1488C>T on transcript NM_001353345.2 (MANE Select); coding-DNA position 1488, C replaced by T.
Protein change: p.His496=; no amino-acid change (histidine 496 retained).
Molecular consequence: synonymous variant.
Genome position (GRCh38, 1-based): chr12:121,810,433, C>T. VCF-style: chr12-121810433-C-T. GRCh37 (hg19) VCF-style: chr12-122248339-C-T.
Other names: NM_015048.1:c.1488C>T.
Identifiers: ClinVar variation 2643434 (VCV002643434.26), dbSNP rs368583452, ClinGen allele CA6838876.